The following is an entry in ClinVar:

NM_004637.6(RAB7A):c.484G>A (p.Val162Met)

Gene: RAB7A (RAB7A, member RAS oncogene family; plus strand). Cytogenetic location: 3q21.3.
Variant type: single nucleotide variant.
Coding change: c.484G>A on transcript NM_004637.6 (MANE Select); coding-DNA position 484, G replaced by A.
Protein change: p.Val162Met; replaces valine 162 with methionine.
Molecular consequence: missense variant.
Genome position (GRCh38, 1-based): chr3:128,807,627, G>A. VCF-style: chr3-128807627-G-A. GRCh37 (hg19) VCF-style: chr3-128526470-G-A.
Other names: short protein forms V162M.
Identifiers: ClinVar variation 7346 (VCV000007346.13), dbSNP rs121909079, ClinGen allele CA219662.

ClinVar aggregate classification (germline): Pathogenic/Likely pathogenic. Review status: criteria provided, multiple submitters, no conflicts (2 of 4 stars). 6 submissions from 6 submitters: Pathogenic (2); Likely pathogenic (1). 3 of the submissions do not count toward it. Last evaluated 2026-01-12.

Conditions:
Charcot-Marie-Tooth disease. Also called: Charcot-Marie-Tooth Neuropathy; Charcot-Marie-Tooth Hereditary Neuropathy. Identifiers: Orphanet 166, MedGen C0007959, MONDO:0015626.
Charcot-Marie-Tooth disease type 2B (CMT2B). Also called: Charcot-Marie-Tooth Neuropathy Type 2B; CHARCOT-MARIE-TOOTH DISEASE, AXONAL, TYPE 2B; CHARCOT-MARIE-TOOTH DISEASE, AUTOSOMAL DOMINANT, TYPE 2B; HEREDITARY MOTOR AND SENSORY NEUROPATHY IIB. Identifiers: Orphanet 99936, MedGen C1833219, MONDO:0010949, OMIM 600882.

Submissions (6):

Women's Health and Genetics/Laboratory Corporation of America, LabCorp
Classification: Pathogenic for Charcot-Marie-Tooth disease type 2B. Last evaluated: 2026-01-12. Review status: criteria provided, single submitter. Criteria: LabCorp Variant Classification Summary - May 2015. Collection method: clinical testing. Allele origin: germline.
Comment: Variant summary: RAB7A c.484G>A (p.Val162Met) results in a conservative amino acid change in the encoded protein sequence. Algorithms developed to predict the effect of missense changes on protein structure and function are either unavailable or do not agree on the potential impact of this missense change. The variant was absent in 251398 control chromosomes (gnomAD). c.484G>A has been observed in multiple individuals affected with Charcot-Marie-Tooth disease type 2B and this variant segregated with the disease (Verhoeven_2003). These data indicate that the variant is very likely to be associated with disease. Publications report experimental evidence evaluating an impact on protein function and this variant affects RAB7A protein function (Spinosa_2008, Basuray_2010, Basuray_2013). The following publications have been ascertained in the context of this evaluation (PMID: 23188822, 21151572, 18272684, 12545426). ClinVar contains an entry for this variant (Variation ID: 7346). Based on the evidence outlined above, the variant was classified as pathogenic.

Labcorp Genetics (formerly Invitae), Labcorp
Classification: Pathogenic for Charcot-Marie-Tooth disease type 2B. Last evaluated: 2024-04-25. Review status: criteria provided, single submitter. Criteria: Invitae Variant Classification Sherloc (09022015). Collection method: clinical testing. Allele origin: germline.
Comment: This sequence change replaces valine, which is neutral and non-polar, with methionine, which is neutral and non-polar, at codon 162 of the RAB7A protein (p.Val162Met). This variant is not present in population databases (gnomAD no frequency). This missense change has been observed in individuals with Charcot-Marie-Tooth disease (PMID: 12545426, 22971099, 27462242). It has also been observed to segregate with disease in related individuals. ClinVar contains an entry for this variant (Variation ID: 7346). An algorithm developed to predict the effect of missense changes on protein structure and function (PolyPhen-2) suggests that this variant is likely to be disruptive. Experimental studies have shown that this missense change affects RAB7A function (PMID: 18272684, 21151572, 23188822, 26791407). For these reasons, this variant has been classified as Pathogenic.

Juno Genomics, Hangzhou Juno Genomics, Inc
Classification: Likely pathogenic for Charcot-Marie-Tooth disease type 2B. Review status: criteria provided, single submitter. Criteria: ACMG Guidelines, 2015. Collection method: clinical testing. Allele origin: germline.
Comment: Absent from controls (or at extremely low frequency if recessive) in Genome Aggregation Database.;Missense variant in a gene that has a low rate of benign missense variation.;Well-established in vitro or in vivo functional studies supportive of a damaging effect on the gene or gene product.;The prevalence of the variant in affected individuals is significantly increased compared to the prevalence in controls.;Co-segregation with disease in multiple affected family members.

OMIM
Classification: Pathogenic for CHARCOT-MARIE-TOOTH DISEASE, AXONAL, TYPE 2B. Last evaluated: 2003-03-01. Review status: no assertion criteria provided. Collection method: literature only. Allele origin: germline. Not counted in ClinVar's aggregate classification.

Inherited Neuropathy Consortium
Classification: Uncertain significance for Charcot-Marie-Tooth disease. Review status: no assertion criteria provided. Collection method: literature only. Allele origin: germline. Affected: yes. Not counted in ClinVar's aggregate classification.

UniProtKB/Swiss-Prot
No classification provided. Review status: no classification provided. Collection method: not provided. Allele origin: not provided. Not counted in ClinVar's aggregate classification.

Literature cited by the submitters: PubMed 23188822 (cited by Women's Health and Genetics/Laboratory Corporation of America, LabCorp and Labcorp Genetics (formerly Invitae), Labcorp); PubMed 21151572 (cited by Women's Health and Genetics/Laboratory Corporation of America, LabCorp and Labcorp Genetics (formerly Invitae), Labcorp); PubMed 18272684 (cited by Women's Health and Genetics/Laboratory Corporation of America, LabCorp and Labcorp Genetics (formerly Invitae), Labcorp); PubMed 12545426 (cited by 4 submitters); PubMed 22971099 (cited by Labcorp Genetics (formerly Invitae), Labcorp); PubMed 27462242 (cited by Labcorp Genetics (formerly Invitae), Labcorp); PubMed 26791407 (cited by Labcorp Genetics (formerly Invitae), Labcorp).